The following is an entry in ClinVar:

ClinVar aggregate classification (germline): Uncertain significance (1 of 4 stars; one submission).

Conditions:
MC4R-related disorder. Also called: MC4R-related condition.

Submission:

PreventionGenetics, part of Exact Sciences
Classification: Uncertain significance for MC4R-related condition. Last evaluated: 2025-08-07. Review status: criteria provided, single submitter. Criteria: ACMG Guidelines, 2015. Collection method: clinical testing. Allele origin: germline.
Comment: The MC4R c.822T>A variant is predicted to result in the amino acid substitution p.Asn274Lys. To our knowledge, this variant has not been reported in the literature or in a large population database (gnomAD), indicating this variant is rare. At this time, the clinical significance of this variant is uncertain due to the absence of conclusive functional and genetic evidence.

NM_005912.3(MC4R):c.822T>A (p.Asn274Lys)

Gene: MC4R (melanocortin 4 receptor; minus strand). Cytogenetic location: 18q21.32.
Variant type: single nucleotide variant.
Coding change: c.822T>A on transcript NM_005912.3 (MANE Select); coding-DNA position 822, T replaced by A.
Protein change: p.Asn274Lys; replaces asparagine 274 with lysine.
Molecular consequence: missense variant.
Genome position (GRCh38, 1-based): chr18:60,371,528, A>T on the plus strand (T>A on the coding strand, the complement: MC4R is on the minus strand). VCF-style: chr18-60371528-A-T. GRCh37 (hg19) VCF-style: chr18-58038761-A-T.
Other names: short protein forms N274K.
Identifiers: ClinVar variation 4998994 (VCV004998994.1).